The following is an entry in ClinVar:

NM_003837.4(FBP2):c.68G>A (p.Arg23His)

Gene: FBP2 (fructose-bisphosphatase 2; minus strand). Cytogenetic location: 9q22.32.
Variant type: single nucleotide variant.
Coding change: c.68G>A on transcript NM_003837.4 (MANE Select); coding-DNA position 68, G replaced by A.
Protein change: p.Arg23His; replaces arginine 23 with histidine.
Molecular consequence: missense variant.
Genome position (GRCh38, 1-based): chr9:94,593,659, C>T on the plus strand (G>A on the coding strand, the complement: FBP2 is on the minus strand). VCF-style: chr9-94593659-C-T. GRCh37 (hg19) VCF-style: chr9-97355941-C-T.
Other names: NM_003837.4:c.68G>A; short protein forms R23H.
Identifiers: ClinVar variation 3252056 (VCV003252056.1), dbSNP rs769197968.
Genomic context (GRCh38, chr9:94,593,659, plus strand): 5'-TTGATGGCCGTCAGCATTGAGTTCAGCAGCTGGGTGAGCTCCCCAGTCCCTTTGGCCTGA[C>T]GCCCCTTTTCCATAACGTAGCGGGTCAGGGTGAGCATGTCGGTTTCGAAGGGGCTTCTGT-3'
Protein context (NP_003828.2, residues 13-33): TLTRYVMEKG[Arg23His]QAKGTGELTQ

ClinVar aggregate classification (germline): Uncertain significance (1 of 4 stars; one submission).

Conditions:
Neurodevelopmental disorder. Identifiers: MedGen C1535926, MeSH D065886, MONDO:0700092.

Allele frequency attached by ClinVar (database versions not stated): TOPMed 0.00001; gnomAD 0.00003.
gnomAD v4.1: 46 of 1,614,114 alleles (0.0028%); highest among the groups gnomAD compares: South Asian, 0.021%; no homozygotes.

Submission:

Broad Center for Mendelian Genomics, Broad Institute of MIT and Harvard
Classification: Uncertain significance for Neurodevelopmental disorder. Last evaluated: 2024-06-19. Review status: criteria provided, single submitter. Criteria: ACMG Guidelines, 2015. Collection method: curation. Allele origin: germline. Inheritance: Autosomal dominant inheritance. Study: GREGoR Consortium.
Comment: While this gene is still lacking sufficient evidence to establish a gene-disease relationship, we believe this is a possible novel gene candidate for neurodevelopmental disorders. Given the limited information about this gene-disease relationship, the significance of the p.Arg23His variant is uncertain. If you have any additional information about functional evidence or other individuals with this phenotype that also have variants in FBP2 we encourage you to reach out to us.